The following is an entry in ClinVar:

NM_000051.4(ATM):c.662+5T>C

Gene: ATM (ATM serine/threonine kinase; plus strand). Cytogenetic location: 11q22.3.
Variant type: single nucleotide variant.
Coding change: c.662+5T>C on transcript NM_000051.4 (MANE Select); 5 bases into the intron after coding-DNA position 662, T replaced by C.
Molecular consequence: intron variant.
Genome position (GRCh38, 1-based): chr11:108,244,123, T>C. VCF-style: chr11-108244123-T-C. GRCh37 (hg19) VCF-style: chr11-108114850-T-C.
Other names: c.662+5T>C (NM_001351834.2).
Identifiers: ClinVar variation 838824 (VCV000838824.9), dbSNP rs2079711059, ClinGen allele CA916080470.
Genomic context (GRCh38, chr11:108,244,123, plus strand): 5'-GACGGATTAAATTCCAAATTTTTGGACTTTTTTTCCAAGGCTATTCAGTGTGCGAGGTAA[T>C]CTAATCTCTTTTTCTTTTGTTTTGTATTGAAATACTTTTGATCTTGCAAGACCATGTTTT-3'

ClinVar aggregate classification (germline): Uncertain significance (1 of 4 stars; one submission).

Conditions:
Ataxia-telangiectasia syndrome (AT). Also called: Ataxia-telangiectasia, complementation group E; Ataxia telangiectasia (A-T); LOUIS-BAR SYNDROME; Ataxia-telangiectasia, complementation group D; AT, COMPLEMENTATION GROUP C; Ataxia-telangiectasia. Identifiers: Orphanet 100, MedGen C0004135, MONDO:0008840, OMIM 208900.

Submission:

Labcorp Genetics (formerly Invitae), Labcorp
Classification: Uncertain significance for Ataxia-telangiectasia syndrome. Last evaluated: 2019-12-28. Review status: criteria provided, single submitter. Criteria: Invitae Variant Classification Sherloc (09022015). Collection method: clinical testing. Allele origin: germline.
Comment: This variant has not been reported in the literature in individuals with ATM-related conditions. In summary, the available evidence is currently insufficient to determine the role of this variant in disease. Therefore, it has been classified as a Variant of Uncertain Significance. Nucleotide substitutions within the consensus splice site are a relatively common cause of aberrant splicing (PMID: 17576681, 9536098). Algorithms developed to predict the effect of sequence changes on RNA splicing suggest that this variant is not likely to affect RNA splicing, but this prediction has not been confirmed by published transcriptional studies. This variant is not present in population databases (ExAC no frequency). This sequence change falls in intron 6 of the ATM gene. It does not directly change the encoded amino acid sequence of the ATM protein, but it affects a nucleotide within the consensus splice site of the intron.

Literature cited by the submitters: PubMed 17576681; PubMed 9536098.